The following is an entry in ClinVar:

ClinVar aggregate classification (germline): Conflicting classifications of pathogenicity. Review status: criteria provided, conflicting classifications (1 of 4 stars). 13 submissions from 13 submitters: Uncertain significance (3); Likely benign (5). 5 of the submissions do not count toward it. Last evaluated 2026-02-04.

Conditions:
NEB-related disorder. Also called: NEB-related condition; NEB-Related Disorders.
Nemaline myopathy 2 (NEM2). Also called: Nemaline myopathy 2, autosomal recessive. Identifiers: MedGen C1850569, MONDO:0009725, OMIM 256030.

Allele frequency attached by ClinVar (database versions not stated): gnomAD exomes 0.00051 and 0.00093; ExAC 0.00107; gnomAD 0.00117 and 0.00125; ESP Exome Variant Server 0.00139; TOPMed 0.00140; 1000 Genomes Project 30x 0.00156; 1000 Genomes Project 0.00180.
gnomAD v4.1: 956 of 1,612,828 alleles (0.059%); highest among the groups gnomAD compares: Middle Eastern, 0.35%; 2 homozygotes.

Submissions (13):

Labcorp Genetics (formerly Invitae), Labcorp
Classification: Likely benign for Nemaline myopathy 2. Last evaluated: 2026-02-04. Review status: criteria provided, single submitter. Criteria: Invitae Variant Classification Sherloc (09022015). Collection method: clinical testing. Allele origin: germline.

Mayo Clinic Laboratories, Mayo Clinic
Classification: Likely benign. Last evaluated: 2025-03-03. Review status: criteria provided, single submitter. Criteria: ACMG Guidelines, 2015. Collection method: clinical testing. Allele origin: germline. Observed: 2 variant alleles.
Comment: BS1, BP4

Blueprint Genetics
Classification: Likely benign. Last evaluated: 2024-10-15. Review status: criteria provided, single submitter. Criteria: ACMG Guidelines, 2015. Collection method: clinical testing. Allele origin: germline.

Women's Health and Genetics/Laboratory Corporation of America, LabCorp
Classification: Uncertain significance. Last evaluated: 2023-01-18. Review status: criteria provided, single submitter. Criteria: LabCorp Variant Classification Summary - May 2015. Collection method: clinical testing. Allele origin: germline.
Comment: Variant summary: NEB c.2510A>G (p.Lys837Arg) results in a conservative amino acid change in the encoded protein sequence. Four of four in-silico tools predict a benign effect of the variant on protein function. The variant allele was found at a frequency of 0.00093 in 245282 control chromosomes. This frequency is not significantly higher than expected for a pathogenic variant in NEB causing Nemaline Myopathy 2 (0.00093 vs 0.0035), allowing no conclusion about variant significance. To our knowledge, no occurrence of c.2510A>G in individuals affected with Nemaline Myopathy 2 and no experimental evidence demonstrating its impact on protein function have been reported. Six clinical diagnostic laboratories have submitted clinical-significance assessments for this variant to ClinVar after 2014 without evidence for independent evaluations, and classified as VUS (n=2) and Likely Benign (n=4). Based on the evidence outlined above, the variant was classified as uncertain significance.

CeGaT Center for Human Genetics Tuebingen
Classification: Likely benign. Last evaluated: 2022-05-01. Review status: criteria provided, single submitter. Criteria: CeGaT Center For Human Genetics Tuebingen Variant Classification Criteria Version 2. Collection method: clinical testing. Allele origin: germline. Affected: yes. Observed: 2 variant alleles.
Comment: NEB: BP4

GeneDx
Classification: Likely benign. Last evaluated: 2020-12-17. Review status: criteria provided, single submitter. Criteria: GeneDx Variant Classification Process June 2021. Collection method: clinical testing. Allele origin: germline. Affected: yes.
Comment: This variant is associated with the following publications: (PMID: 25203624)

Illumina Laboratory Services, Illumina
Classification: Uncertain significance for Nemaline myopathy 2. Last evaluated: 2018-01-13. Review status: criteria provided, single submitter. Criteria: ICSL Variant Classification Criteria 13 December 2019. Collection method: clinical testing. Allele origin: germline.

Eurofins Ntd Llc (ga)
Classification: Uncertain significance. Last evaluated: 2016-06-07. Review status: criteria provided, single submitter. Criteria: EGL Classification Definitions 2015. Collection method: clinical testing. Allele origin: germline. Observed: 1 variant allele, 1 heterozygote.

Natera, Inc.
Classification: Likely benign for Nemaline myopathy type 2. Last evaluated: 2019-11-11. Review status: no assertion criteria provided. Collection method: clinical testing. Allele origin: germline. Not counted in ClinVar's aggregate classification.

PreventionGenetics, part of Exact Sciences
Classification: Benign for NEB-related condition. Last evaluated: 2019-06-06. Review status: no assertion criteria provided. Collection method: clinical testing. Allele origin: germline. Not counted in ClinVar's aggregate classification.
Comment: This variant is classified as benign based on ACMG/AMP sequence variant interpretation guidelines (Richards et al. 2015 PMID: 25741868, with internal and published modifications).

Clinical Genetics DNA and cytogenetics Diagnostics Lab, Erasmus MC, Erasmus Medical Center
Classification: Likely benign. Review status: no assertion criteria provided. Collection method: clinical testing. Allele origin: germline. Affected: yes. Study: VKGL Data-share Consensus. Not counted in ClinVar's aggregate classification.

Genome Diagnostics Laboratory, University Medical Center Utrecht
Classification: Likely benign. Review status: no assertion criteria provided. Collection method: clinical testing. Allele origin: germline. Affected: yes. Study: VKGL Data-share Consensus. Not counted in ClinVar's aggregate classification.

Laboratory of Diagnostic Genome Analysis, Leiden University Medical Center (LUMC)
Classification: Likely benign. Review status: no assertion criteria provided. Collection method: clinical testing. Allele origin: germline. Affected: yes. Study: VKGL Data-share Consensus. Not counted in ClinVar's aggregate classification.

NM_001164508.2(NEB):c.2510A>G (p.Lys837Arg)

Gene: NEB (nebulin; minus strand). Cytogenetic location: 2q23.3.
Variant type: single nucleotide variant.
Coding change: c.2510A>G on transcript NM_001164508.2 (MANE Select); coding-DNA position 2510, A replaced by G.
Protein change: p.Lys837Arg; replaces lysine 837 with arginine.
Molecular consequence: missense variant.
Genome position (GRCh38, 1-based): chr2:151,687,639, T>C on the plus strand (A>G on the coding strand, the complement: NEB is on the minus strand). VCF-style: chr2-151687639-T-C. GRCh37 (hg19) VCF-style: chr2-152544153-T-C.
Other names: p.Lys837Arg; c.2510A>G, p.Lys837Arg (NM_001164507.2, NM_001271208.2, NM_004543.5); short protein forms K837R.
Identifiers: ClinVar variation 287622 (VCV000287622.65), dbSNP rs189623595, ClinGen allele CA1911207.